The following is an entry in ClinVar:

NM_000548.5(TSC2):c.4249C>T (p.Arg1417Trp)

Gene: TSC2 (TSC complex subunit 2; plus strand). Cytogenetic location: 16p13.3.
Variant type: single nucleotide variant.
Coding change: c.4249C>T on transcript NM_000548.5 (MANE Select); coding-DNA position 4249, C replaced by T.
Protein change: p.Arg1417Trp; replaces arginine 1417 with tryptophan.
Molecular consequence: missense variant.
Genome position (GRCh38, 1-based): chr16:2,084,471, C>T. VCF-style: chr16-2084471-C-T. GRCh37 (hg19) VCF-style: chr16-2134472-C-T.
Other names: c.4048C>T, p.Arg1350Trp (NM_001077183.3); c.4180C>T, p.Arg1394Trp (NM_001114382.3); c.3940C>T, p.Arg1314Trp (NM_001318827.2); c.3904C>T, p.Arg1302Trp (NM_001318829.2); c.3517C>T, p.Arg1173Trp (NM_001318831.2); c.4081C>T, p.Arg1361Trp (NM_001318832.2); c.4051C>T, p.Arg1351Trp (NM_001363528.2); c.4117C>T, p.Arg1373Trp (NM_001370404.1); and 1 more; short protein forms R1417W, R1173W, R1302W, R1350W, R1351W, R1314W, R1361W, R1373W.
Identifiers: ClinVar variation 535982 (VCV000535982.16), dbSNP rs774338461, ClinGen allele CA050704.

ClinVar aggregate classification (germline): Conflicting classifications of pathogenicity. Review status: criteria provided, conflicting classifications (1 of 4 stars). 4 submissions from 4 submitters: Uncertain significance (2); Likely benign (2). Last evaluated 2025-08-29.

Conditions:
Tuberous sclerosis 2 (TSC2). Identifiers: Orphanet 805, MedGen C1860707, MONDO:0013199, OMIM 613254.
Hereditary cancer-predisposing syndrome. Also called: Neoplastic Syndromes, Hereditary; Tumor predisposition; Hereditary Cancer Syndrome; Hereditary neoplastic syndrome. Identifiers: Orphanet 140162, MedGen C0027672, MeSH D009386, MONDO:0015356.
Isolated focal cortical dysplasia type II (FCORD2). Also called: Focal cortical dysplasia type II; CORTICAL DYSPLASIA OF TAYLOR. Identifiers: Orphanet 268994, MedGen C1846385, MONDO:0011818, OMIM 607341, HP:0032051.
Lymphangiomyomatosis (LAM). Also called: Lymphangioleiomyomatosis; Lymphangioleiomyomatosis, somatic. Identifiers: Orphanet 538, MedGen C0751674, MONDO:0011705, OMIM 606690.

Allele frequency attached by ClinVar (database versions not stated): ExAC 0.00002.

Submissions (4):

Labcorp Genetics (formerly Invitae), Labcorp
Classification: Likely benign for Tuberous sclerosis 2. Last evaluated: 2025-08-29. Review status: criteria provided, single submitter. Criteria: Invitae Variant Classification Sherloc (09022015). Collection method: clinical testing. Allele origin: germline.

Fulgent Genetics
Classification: Likely benign for Lymphangiomyomatosis; Isolated focal cortical dysplasia type II; Tuberous sclerosis 2. Last evaluated: 2024-06-11. Review status: criteria provided, single submitter. Criteria: ACMG Guidelines, 2015. Collection method: clinical testing. Allele origin: germline.

GeneDx
Classification: Uncertain significance. Last evaluated: 2024-02-07. Review status: criteria provided, single submitter. Criteria: GeneDx Variant Classification Process June 2021. Collection method: clinical testing. Allele origin: germline. Affected: yes.
Comment: In silico analysis supports that this missense variant has a deleterious effect on protein structure/function; Has not been previously published as pathogenic or benign to our knowledge

Ambry Genetics
Classification: Uncertain significance for Hereditary cancer-predisposing syndrome. Last evaluated: 2024-01-16. Review status: criteria provided, single submitter. Criteria: Ambry Variant Classification Scheme 2023. Collection method: clinical testing. Allele origin: germline.
Comment: The p.R1417W variant (also known as c.4249C>T), located in coding exon 33 of the TSC2 gene, results from a C to T substitution at nucleotide position 4249. The arginine at codon 1417 is replaced by tryptophan, an amino acid with dissimilar properties. This amino acid position is not well conserved in available vertebrate species. In addition, the in silico prediction for this alteration is inconclusive. Since supporting evidence is limited at this time, the clinical significance of this alteration remains unclear.